The following is an entry in ClinVar:

ClinVar aggregate classification (germline): Uncertain significance (1 of 4 stars; one submission).

Allele frequency attached by ClinVar (database versions not stated): gnomAD exomes 0.00001.
gnomAD v4.1: 9 of 1,614,224 alleles (0.00056%); highest among the groups gnomAD compares: Non-Finnish European, 0.00076%; no homozygotes.

Submission:

Labcorp Genetics (formerly Invitae), Labcorp
Classification: Uncertain significance. Last evaluated: 2024-01-07. Review status: criteria provided, single submitter. Criteria: Invitae Variant Classification Sherloc (09022015). Collection method: clinical testing. Allele origin: germline.
Comment: This sequence change replaces serine, which is neutral and polar, with leucine, which is neutral and non-polar, at codon 29 of the RAB11B protein (p.Ser29Leu). This variant is not present in population databases (gnomAD no frequency). This variant has not been reported in the literature in individuals affected with RAB11B-related conditions. An algorithm developed to predict the effect of missense changes on protein structure and function (PolyPhen-2) suggests that this variant is likely to be disruptive. In summary, the available evidence is currently insufficient to determine the role of this variant in disease. Therefore, it has been classified as a Variant of Uncertain Significance.

NM_004218.4(RAB11B):c.86C>T (p.Ser29Leu)

Gene: RAB11B (RAB11B, member RAS oncogene family; plus strand). Cytogenetic location: 19p13.2.
Variant type: single nucleotide variant.
Coding change: c.86C>T on transcript NM_004218.4 (MANE Select); coding-DNA position 86, C replaced by T.
Protein change: p.Ser29Leu; replaces serine 29 with leucine.
Molecular consequence: missense variant.
Genome position (GRCh38, 1-based): chr19:8,399,908, C>T. VCF-style: chr19-8399908-C-T. GRCh37 (hg19) VCF-style: chr19-8464792-C-T.
Other names: short protein forms S29L.
Identifiers: ClinVar variation 2708140 (VCV002708140.3), dbSNP rs2512745118, ClinGen allele CA403709913.